The following is an entry in ClinVar:

ClinVar aggregate classification (germline): Likely benign. Review status: criteria provided, multiple submitters, no conflicts (2 of 4 stars). 2 submissions from 2 submitters: Likely benign (2). Last evaluated 2025-08-28.

Conditions:
CNGB1-related disorder. Also called: CNGB1-related condition.

gnomAD v4.1: 11 of 1,614,060 alleles (0.00068%); highest among the groups gnomAD compares: East Asian, 0.022%; no homozygotes.

Submissions (2):

PreventionGenetics, part of Exact Sciences
Classification: Likely benign for CNGB1-related condition. Last evaluated: 2025-08-28. Review status: criteria provided, single submitter. Criteria: ACMG Guidelines, 2015. Collection method: clinical testing. Allele origin: germline.
Comment: This variant is classified as likely benign based on ACMG/AMP sequence variant interpretation guidelines (Richards et al. 2015 PMID: 25741868, with internal and published modifications).

Blueprint Genetics
Classification: Likely benign. Last evaluated: 2022-06-29. Review status: criteria provided, single submitter. Criteria: ACMG Guidelines, 2015. Collection method: clinical testing. Allele origin: germline.

NM_001297.5(CNGB1):c.2937C>T (p.Arg979=)

Gene: CNGB1 (cyclic nucleotide gated channel subunit beta 1; minus strand). Cytogenetic location: 16q21.
Variant type: single nucleotide variant.
Coding change: c.2937C>T on transcript NM_001297.5 (MANE Select); coding-DNA position 2937, C replaced by T.
Protein change: p.Arg979=; no amino-acid change (arginine 979 retained).
Molecular consequence: synonymous variant.
Genome position (GRCh38, 1-based): chr16:57,901,391, G>A on the plus strand (C>T on the coding strand, the complement: CNGB1 is on the minus strand). VCF-style: chr16-57901391-G-A. GRCh37 (hg19) VCF-style: chr16-57935295-G-A.
Other names: c.2919C>T, p.Arg973= (NM_001286130.2); c.2937C>T (NM_001297.4).
Identifiers: ClinVar variation 4930201 (VCV004930201.2).